The following is an entry in ClinVar:

ClinVar aggregate classification (germline): Uncertain significance. Review status: criteria provided, multiple submitters, no conflicts (2 of 4 stars). 3 submissions from 3 submitters: Uncertain significance (2). 1 of the submissions does not count toward it. Last evaluated 2024-09-18.

Conditions:
Cone-rod dystrophy 3 (CORD3). Identifiers: Orphanet 1872, MedGen C1858806, MONDO:0011395, OMIM 604116.

Allele frequency attached by ClinVar (database versions not stated): gnomAD exomes below 0.00001 and 0.00002; ExAC 0.00001; TOPMed 0.00001; ESP Exome Variant Server 0.00008.
gnomAD v4.1: 24 of 1,614,182 alleles (0.0015%); highest among the groups gnomAD compares: Non-Finnish European, 0.0019%; no homozygotes.

Submissions (3):

Women's Health and Genetics/Laboratory Corporation of America, LabCorp
Classification: Uncertain significance. Last evaluated: 2024-09-18. Review status: criteria provided, single submitter. Criteria: LabCorp Variant Classification Summary - May 2015. Collection method: clinical testing. Allele origin: germline.
Comment: Variant summary: ABCA4 c.4696C>T (p.Leu1566Phe) results in a non-conservative amino acid change in the encoded protein sequence. Four of five in-silico tools predict a damaging effect of the variant on protein function. The variant allele was found at a frequency of 4e-06 in 251444 control chromosomes. The available data on variant occurrences in the general population are insufficient to allow any conclusion about variant significance. c.4696C>T has been reported in the literature in a complex genotype in at least 2 individuals affected with Stargardt disease (example, Nassisi_2018, Khan_2020), including 1 individual who carried a pathogenic variant on the same allele in cis. These data do not allow any conclusion about variant significance. To our knowledge, no experimental evidence demonstrating an impact on protein function has been reported. The following publications have been ascertained in the context of this evaluation (PMID: 32307445, 30060493). ClinVar contains an entry for this variant (Variation ID: 635493). Based on the evidence outlined above, the variant was classified as uncertain significance.

Labcorp Genetics (formerly Invitae), Labcorp
Classification: Uncertain significance. Last evaluated: 2023-08-17. Review status: criteria provided, single submitter. Criteria: Invitae Variant Classification Sherloc (09022015). Collection method: clinical testing. Allele origin: germline.
Comment: In summary, the available evidence is currently insufficient to determine the role of this variant in disease. Therefore, it has been classified as a Variant of Uncertain Significance. Advanced modeling of protein sequence and biophysical properties (such as structural, functional, and spatial information, amino acid conservation, physicochemical variation, residue mobility, and thermodynamic stability) performed at Invitae indicates that this missense variant is expected to disrupt ABCA4 protein function. ClinVar contains an entry for this variant (Variation ID: 635493). This missense change has been observed in individual(s) with Stargardt disease (PMID: 30060493). This variant is present in population databases (rs377398404, gnomAD 0.0009%). This sequence change replaces leucine, which is neutral and non-polar, with phenylalanine, which is neutral and non-polar, at codon 1566 of the ABCA4 protein (p.Leu1566Phe).

Bioscientia Institut fuer Medizinische Diagnostik GmbH, Sonic Healthcare
Classification: Uncertain significance for Cone-rod dystrophy 3. Last evaluated: 2018-10-09. Review status: no assertion criteria provided. Collection method: clinical testing. Allele origin: germline. Affected: yes. Not counted in ClinVar's aggregate classification.

Literature cited by the submitters: PubMed 32307445 (cited by Women's Health and Genetics/Laboratory Corporation of America, LabCorp); PubMed 30060493 (cited by Women's Health and Genetics/Laboratory Corporation of America, LabCorp and Labcorp Genetics (formerly Invitae), Labcorp).

NM_000350.3(ABCA4):c.4696C>T (p.Leu1566Phe)

Genes: ABCA4 (ATP binding cassette subfamily A member 4; minus strand), LOC126805793 (CDK7 strongly-dependent group 2 enhancer GRCh37_chr1:94486302-94487501; plus strand). Cytogenetic location: 1p22.1.
Variant type: single nucleotide variant.
Coding change: c.4696C>T on transcript NM_000350.3 (MANE Select); coding-DNA position 4696, C replaced by T.
Protein change: p.Leu1566Phe; replaces leucine 1566 with phenylalanine.
Molecular consequence: missense variant.
Genome position (GRCh38, 1-based): chr1:94,021,923, G>A on the plus strand (C>T on the coding strand, the complement: ABCA4 is on the minus strand). VCF-style: chr1-94021923-G-A. GRCh37 (hg19) VCF-style: chr1-94487479-G-A.
Other names: c.4474C>T, p.Leu1492Phe (NM_001425324.1); short protein forms L1566F, L1492F.
Identifiers: ClinVar variation 635493 (VCV000635493.8), dbSNP rs377398404, ClinGen allele CA957512.